The following is an entry in ClinVar:

ClinVar aggregate classification (germline): Uncertain significance. Review status: criteria provided, multiple submitters, no conflicts (2 of 4 stars). 2 submissions from 2 submitters: Uncertain significance (2). Last evaluated 2025-04-20.

Conditions:
Werner syndrome (WRN). Identifiers: Orphanet 902, MedGen C0043119, MONDO:0010196, OMIM 277700.
Inborn genetic diseases. Identifiers: MedGen C0950123, MeSH D030342.

Allele frequency attached by ClinVar (database versions not stated): gnomAD exomes below 0.00001; TOPMed 0.00002.
gnomAD v4.1: 3 of 1,614,178 alleles (0.00019%); highest among the groups gnomAD compares: Non-Finnish European, 0.00025%; no homozygotes.

Submissions (2):

Ambry Genetics
Classification: Uncertain significance for Inborn genetic diseases. Last evaluated: 2025-04-20. Review status: criteria provided, single submitter. Criteria: Ambry Variant Classification Scheme 2023. Collection method: clinical testing. Allele origin: germline.

Labcorp Genetics (formerly Invitae), Labcorp
Classification: Uncertain significance for Werner syndrome. Last evaluated: 2023-09-14. Review status: criteria provided, single submitter. Criteria: Invitae Variant Classification Sherloc (09022015). Collection method: clinical testing. Allele origin: germline.
Comment: This variant has not been reported in the literature in individuals affected with WRN-related conditions. ClinVar contains an entry for this variant (Variation ID: 528093). An algorithm developed to predict the effect of missense changes on protein structure and function (PolyPhen-2) suggests that this variant is likely to be disruptive. In summary, the available evidence is currently insufficient to determine the role of this variant in disease. Therefore, it has been classified as a Variant of Uncertain Significance. This variant is not present in population databases (gnomAD no frequency). This sequence change replaces phenylalanine, which is neutral and non-polar, with serine, which is neutral and polar, at codon 1004 of the WRN protein (p.Phe1004Ser).

NM_000553.6(WRN):c.3011T>C (p.Phe1004Ser)

Gene: WRN (WRN RecQ like helicase; plus strand). Cytogenetic location: 8p12.
Variant type: single nucleotide variant.
Coding change: c.3011T>C on transcript NM_000553.6 (MANE Select); coding-DNA position 3011, T replaced by C.
Protein change: p.Phe1004Ser; replaces phenylalanine 1004 with serine.
Molecular consequence: missense variant.
Genome position (GRCh38, 1-based): chr8:31,141,473, T>C. VCF-style: chr8-31141473-T-C. GRCh37 (hg19) VCF-style: chr8-30998989-T-C.
Other names: short protein forms F1004S.
Identifiers: ClinVar variation 528093 (VCV000528093.7), dbSNP rs796744821, ClinGen allele CA174899890.
Genomic context (GRCh38, chr8:31,141,473, plus strand): 5'-TTTATTCCTAATTTCAGAATTCTCAGCGTCTTGCCGATCAATATCGCAGGCACAGTTTAT[T>C]TGGCACTGGCAAGGATCAAACAGAGAGTTGGTGGAAGGCTTTTTCCCGTCAGCTGATCAC-3'
Protein context (NP_000544.2, residues 994-1014): LADQYRRHSL[Phe1004Ser]GTGKDQTESW